The following is an entry in ClinVar:

NM_001710.6(CFB):c.65-8C>G

Gene: CFB (complement factor B; plus strand). Cytogenetic location: 6p21.33.
Variant type: single nucleotide variant.
Coding change: c.65-8C>G on transcript NM_001710.6 (MANE Select); 8 bases into the intron before coding-DNA position 65, C replaced by G.
Molecular consequence: intron variant.
Genome position (GRCh38, 1-based): chr6:31,946,365, C>G. VCF-style: chr6-31946365-C-G. GRCh37 (hg19) VCF-style: chr6-31914142-C-G.
Identifiers: ClinVar variation 1961635 (VCV001961635.5), dbSNP rs920716119, ClinGen allele CA566692857.

ClinVar aggregate classification (germline): Uncertain significance (1 of 4 stars; one submission).

gnomAD v4.1: 1 of 1,613,054 alleles (0.000062%); highest among the groups gnomAD compares: East Asian, 0.0022%; no homozygotes.

Submission:

Labcorp Genetics (formerly Invitae), Labcorp
Classification: Uncertain significance. Last evaluated: 2022-08-30. Review status: criteria provided, single submitter. Criteria: Invitae Variant Classification Sherloc (09022015). Collection method: clinical testing. Allele origin: germline.
Comment: Algorithms developed to predict the effect of sequence changes on RNA splicing suggest that this variant may disrupt the consensus splice site. This variant has not been reported in the literature in individuals affected with CFB-related conditions. This variant is present in population databases (no rsID available, gnomAD 0.006%). This sequence change falls in intron 1 of the CFB gene. It does not directly change the encoded amino acid sequence of the CFB protein. In summary, the available evidence is currently insufficient to determine the role of this variant in disease. Therefore, it has been classified as a Variant of Uncertain Significance.